The following is an entry in ClinVar:

NM_007294.4(BRCA1):c.5102del (p.Leu1701fs)

Gene: BRCA1 (BRCA1 DNA repair associated; minus strand). Cytogenetic location: 17q21.31.
Variant type: Deletion.
Coding change: c.5102del on transcript NM_007294.4 (MANE Select); coding-DNA position 5102, one base deleted (T; older notation c.5102delT).
Protein change: p.Leu1701fs; shifts the reading frame from leucine 1701.
Molecular consequence: frameshift variant. On other transcripts: non-coding transcript variant (1).
Genome position (GRCh38, 1-based): chr17:43,063,924, A deleted on the plus strand (T on the coding strand, the reverse complement: BRCA1 is on the minus strand). VCF-style (leftmost placement, unchanged base first): chr17-43063923-CA-C. GRCh37 (hg19) VCF-style: chr17-41215940-CA-C.
Other names: c.4769delT, p.Leu1590Argfs (NM_001407946.1, NM_001407947.1, NM_001407948.1 and 1 more transcripts); c.4766delT, p.Leu1589Argfs (NM_001407950.1, NM_001407951.1, NM_001407952.1 and 3 more transcripts); c.4763delT, p.Leu1588Argfs (NM_001407956.1, NM_001407957.1, NM_001407958.1); c.4721delT, p.Leu1574Argfs (NM_001407959.1); c.4718delT, p.Leu1573Argfs (NM_001407960.1, NM_001407962.1); c.4715delT, p.Leu1572Argfs (NM_001407963.1); c.4640delT, p.Leu1547Argfs (NM_001407964.1); c.4595delT, p.Leu1532Argfs (NM_001407965.1); and 74 more; short protein forms L1701fs, L1722fs, L597fs, L1654fs.
Identifiers: ClinVar variation 548191 (VCV000548191.12), dbSNP rs1555578613, ClinGen allele CA658824722.

ClinVar aggregate classification (germline): Pathogenic. Review status: reviewed by expert panel (3 of 4 stars). 2 submissions from 2 submitters: Pathogenic (1). 1 of the submissions does not count toward it. Last evaluated 2017-12-15.

Conditions:
Breast-ovarian cancer, familial, susceptibility to, 1 (BROVCA1). Also called: BRCA1 Hereditary Breast and Ovarian Cancer; OVARIAN CANCER, SUSCEPTIBILITY TO. Identifiers: Orphanet 145, MedGen C2676676, MONDO:0011450, OMIM 604370. Disease mechanism: loss of function.
Hereditary breast ovarian cancer syndrome. Also called: Hereditary breast and ovarian cancer; Hereditary breast and ovarian cancer syndrome; Hereditary breast and ovarian cancer syndrome (HBOC); Breast and ovarian cancer; BRCA1- and BRCA2-Associated Hereditary Breast and Ovarian Cancer; Hereditary breast and/or ovarian cancer syndrome. Identifiers: Orphanet 145, MedGen C0677776, MeSH D061325, MONDO:0003582. Disease mechanism: loss of function.

Submissions (2):

Evidence-based Network for the Interpretation of Germline Mutant Alleles (ENIGMA)
Classification: Pathogenic for Breast-ovarian cancer, familial, susceptibility to, 1. Last evaluated: 2017-12-15. Review status: reviewed by expert panel. Criteria: ENIGMA BRCA1/2 Classification Criteria (2017-06-29). Collection method: curation. Allele origin: germline. Study: ENIGMA.
Comment: Variant allele predicted to encode a truncated non-functional protein.

Labcorp Genetics (formerly Invitae), Labcorp
Classification: Pathogenic for Hereditary breast ovarian cancer syndrome. Last evaluated: 2021-05-26. Review status: criteria provided, single submitter. Criteria: Invitae Variant Classification Sherloc (09022015). Collection method: clinical testing. Allele origin: germline. Not counted in ClinVar's aggregate classification.
Comment: For these reasons, this variant has been classified as Pathogenic. This variant has been observed in individual(s) with breast and/or ovarian cancer (PMID: 28724667, 30702160). ClinVar contains an entry for this variant (Variation ID: 548191). This variant is not present in population databases (ExAC no frequency). This sequence change creates a premature translational stop signal (p.Leu1701Argfs*5) in the BRCA1 gene. It is expected to result in an absent or disrupted protein product. Loss-of-function variants in BRCA1 are known to be pathogenic (PMID: 20104584).

Literature cited by the submitters: PubMed 28724667 (cited by Labcorp Genetics (formerly Invitae), Labcorp); PubMed 30702160 (cited by Labcorp Genetics (formerly Invitae), Labcorp); PubMed 20104584 (cited by Labcorp Genetics (formerly Invitae), Labcorp).